The following is an entry in ClinVar:

ClinVar aggregate classification (germline): Likely benign (1 of 4 stars; one submission).

Conditions:
COL3A1-related disorder. Also called: COL3A1-related condition.

Submission:

PreventionGenetics, part of Exact Sciences
Classification: Likely benign for COL3A1-related condition. Last evaluated: 2024-11-04. Review status: criteria provided, single submitter. Criteria: ACMG Guidelines, 2015. Collection method: clinical testing. Allele origin: germline.
Comment: This variant is classified as likely benign based on ACMG/AMP sequence variant interpretation guidelines (Richards et al. 2015 PMID: 25741868, with internal and published modifications).

NM_000090.4(COL3A1):c.2931+8T>G

Gene: COL3A1 (collagen type III alpha 1 chain; plus strand). Cytogenetic location: 2q32.2.
Variant type: single nucleotide variant.
Coding change: c.2931+8T>G on transcript NM_000090.4 (MANE Select); 8 bases into the intron after coding-DNA position 2931, T replaced by G.
Molecular consequence: intron variant.
Genome position (GRCh38, 1-based): chr2:189,004,372, T>G. VCF-style: chr2-189004372-T-G. GRCh37 (hg19) VCF-style: chr2-189869098-T-G.
Identifiers: ClinVar variation 4984037 (VCV004984037.1).
Genomic context (GRCh38, chr2:189,004,372, plus strand): 5'-GACCACCAGGCATGCCAGGTCCTAGGGGAAGCCCTGGCCCTCAGGGTGTCAAGGTGAGTA[T>G]AGTCATTTTCCACTACACTCTTCCTTCCTTTGGTAGCCTTCAGAGATCACTTAACCATAT-3'